The following is an entry in ClinVar:

ClinVar aggregate classification (germline): Conflicting classifications of pathogenicity. Review status: criteria provided, conflicting classifications (1 of 4 stars). 2 submissions from 2 submitters: Uncertain significance (1); Benign (1). Last evaluated 2025-03-01.

Allele frequency attached by ClinVar (database versions not stated): gnomAD exomes below 0.00001.
gnomAD v4.1: 1 of 1,210,275 alleles (0.000083%); highest among the groups gnomAD compares: Non-Finnish European, 0.00011%; no homozygotes.

Submissions (2):

CeGaT Center for Human Genetics Tuebingen
Classification: Uncertain significance. Last evaluated: 2025-03-01. Review status: criteria provided, single submitter. Criteria: CeGaT Center For Human Genetics Tuebingen Variant Classification Criteria Version 2. Collection method: clinical testing. Allele origin: germline. Affected: yes. Observed: 1 variant allele.
Comment: CLCN4: PM2, PP2, PP3

Labcorp Genetics (formerly Invitae), Labcorp
Classification: Benign. Last evaluated: 2023-07-17. Review status: criteria provided, single submitter. Criteria: Invitae Variant Classification Sherloc (09022015). Collection method: clinical testing. Allele origin: germline.

NM_001830.4(CLCN4):c.1549G>A (p.Ala517Thr)

Gene: CLCN4 (Cl-/H+ antiporter 4; plus strand). Cytogenetic location: Xp22.2.
Variant type: single nucleotide variant.
Coding change: c.1549G>A on transcript NM_001830.4 (MANE Select); coding-DNA position 1549, G replaced by A.
Protein change: p.Ala517Thr; replaces alanine 517 with threonine.
Molecular consequence: missense variant.
Genome position (GRCh38, 1-based): chrX:10,212,626, G>A. VCF-style: chrX-10212626-G-A. GRCh37 (hg19) VCF-style: chrX-10180666-G-A.
Other names: c.1267G>A, p.Ala423Thr (NM_001256944.2); short protein forms A423T, A517T.
Identifiers: ClinVar variation 1355978 (VCV001355978.15), dbSNP rs2147182742, ClinGen allele CA412041177.